The following is an entry in ClinVar:

NC_000005.10:g.(?_13765966)_(13769625_?)del

Gene: DNAH5 (dynein axonemal heavy chain 5; minus strand). Cytogenetic location: 5p15.2.
Variant type: Deletion.
Identifiers: ClinVar variation 832523 (VCV000832523.1).

ClinVar aggregate classification (germline): Pathogenic (1 of 4 stars; one submission).

Conditions:
Primary ciliary dyskinesia. Also called: Ciliary dyskinesia. Identifiers: Orphanet 244, MedGen C0008780, MONDO:0016575, HP:0012265.

Submission:

Labcorp Genetics (formerly Invitae), Labcorp
Classification: Pathogenic for Primary ciliary dyskinesia. Last evaluated: 2019-12-26. Review status: criteria provided, single submitter. Criteria: Invitae Variant Classification Sherloc (09022015). Collection method: clinical testing. Allele origin: germline.
Comment: This variant is an out-of-frame deletion of the genomic region encompassing exons 57-59 of the DNAH5 gene. This is expected to create a premature translational stop signal and result in an absent or disrupted protein product. Loss-of-function variants in DNAH5 are known to be pathogenic (PMID: 11788826, 16627867). For these reasons, this variant has been classified as Pathogenic.